The following is an entry in ClinVar:

NM_001321759.2(CDIN1):c.716+37019G>T

Gene: CDIN1 (CDAN1 interacting nuclease 1; plus strand). Cytogenetic location: 15q14.
Variant type: single nucleotide variant.
Coding change: c.716+37019G>T on transcript NM_001321759.2 (MANE Select); 37019 bases into the intron after coding-DNA position 716, G replaced by T.
Molecular consequence: intron variant. On other transcripts: synonymous variant (1).
Genome position (GRCh38, 1-based): chr15:36,746,980, G>T. VCF-style: chr15-36746980-G-T. GRCh37 (hg19) VCF-style: chr15-37039181-G-T.
Other names: c.762G>T, p.Gly254= (NM_001290233.2); c.347+37019G>T (NM_001321757.2); c.734+37019G>T (NM_001321761.2); c.716+37019G>T (NM_001130010.3); c.610+37692G>T (NM_001321760.2); c.422+37019G>T (NM_001321756.2, NM_032499.6, NM_001290232.2); c.605+37019G>T (NM_001321758.2).
Identifiers: ClinVar variation 4874808 (VCV004874808.2).

ClinVar aggregate classification (germline): Likely benign (1 of 4 stars; one submission).

Submission:

CeGaT Center for Human Genetics Tuebingen
Classification: Likely benign. Last evaluated: 2026-05-01. Review status: criteria provided, single submitter. Criteria: CeGaT Center For Human Genetics Tuebingen Variant Classification Criteria Version 2. Collection method: clinical testing. Allele origin: germline. Affected: yes. Observed: 1 variant allele.
Comment: CDIN1: PM2:Supporting, BP4, BP7